The following is an entry in ClinVar:

ClinVar aggregate classification (germline): Uncertain significance (1 of 4 stars; one submission).

Conditions:
Cardiovascular phenotype. Identifiers: MedGen CN230736.

Submission:

Ambry Genetics
Classification: Uncertain significance for Cardiovascular phenotype. Last evaluated: 2021-09-29. Review status: criteria provided, single submitter. Criteria: Ambry Variant Classification Scheme 2023. Collection method: clinical testing. Allele origin: germline.
Comment: The c.1497+4C>G intronic variant results from a C to G substitution 4 nucleotides after coding exon 7 in the JUP gene. This nucleotide position is not well conserved in available vertebrate species. In silico splice site analysis predicts that this alteration will not have any significant effect on splicing. Since supporting evidence is limited at this time, the clinical significance of this alteration remains unclear.

NM_002230.4(JUP):c.1497+4C>G

Gene: JUP (junction plakoglobin; minus strand). Cytogenetic location: 17q21.2.
Variant type: single nucleotide variant.
Coding change: c.1497+4C>G on transcript NM_002230.4 (MANE Select); 4 bases into the intron after coding-DNA position 1497, C replaced by G.
Molecular consequence: intron variant.
Genome position (GRCh38, 1-based): chr17:41,762,979, G>C on the plus strand (C>G on the coding strand, the complement: JUP is on the minus strand). VCF-style: chr17-41762979-G-C. GRCh37 (hg19) VCF-style: chr17-39919231-G-C.
Other names: c.1497+4C>G (NM_001352774.2, NM_021991.4, NM_001352776.2 and 3 more transcripts).
Identifiers: ClinVar variation 1773896 (VCV001773896.2), dbSNP rs201553154, ClinGen allele CA2580093704.